The following is an entry in ClinVar:

ClinVar aggregate classification (germline): Likely benign (0 of 4 stars; one submission).

Conditions:
NTRK2-related disorder. Also called: NTRK2-related condition.

gnomAD v4.1: 1 of 1,613,940 alleles (0.000062%); highest among the groups gnomAD compares: Non-Finnish European, 0.000085%; no homozygotes.

Submission:

PreventionGenetics, part of Exact Sciences
Classification: Likely benign for NTRK2-related condition. Last evaluated: 2024-02-16. Review status: no assertion criteria provided. Collection method: clinical testing. Allele origin: germline.
Comment: This variant is classified as likely benign based on ACMG/AMP sequence variant interpretation guidelines (Richards et al. 2015 PMID: 25741868, with internal and published modifications).

NM_006180.6(NTRK2):c.702C>T (p.Asn234=)

Gene: NTRK2 (neurotrophic receptor tyrosine kinase 2; plus strand). Cytogenetic location: 9q21.33.
Variant type: single nucleotide variant.
Coding change: c.702C>T on transcript NM_006180.6 (MANE Select); coding-DNA position 702, C replaced by T.
Protein change: p.Asn234=; no amino-acid change (asparagine 234 retained).
Molecular consequence: synonymous variant.
Genome position (GRCh38, 1-based): chr9:84,723,691, C>T. VCF-style: chr9-84723691-C-T. GRCh37 (hg19) VCF-style: chr9-87338606-C-T.
Other names: c.702C>T, p.Asn234= (NM_001007097.3, NM_001018064.3, NM_001018065.2 and 18 more transcripts); c.234C>T, p.Asn78= (NM_001369535.1, NM_001369536.1, NM_001369550.1 and 2 more transcripts).
Identifiers: ClinVar variation 3350169 (VCV003350169.1).